The following is an entry in ClinVar:

NM_001388303.1(HECTD4):c.6456C>T (p.Ala2152=)

Gene: HECTD4 (HECT domain E3 ubiquitin protein ligase 4; minus strand). Cytogenetic location: 12q24.13.
Variant type: single nucleotide variant.
Coding change: c.6456C>T on transcript NM_001388303.1 (MANE Select); coding-DNA position 6456, C replaced by T.
Protein change: p.Ala2152=; no amino-acid change (alanine 2152 retained).
Molecular consequence: synonymous variant.
Genome position (GRCh38, 1-based): chr12:112,229,761, G>A on the plus strand (C>T on the coding strand, the complement: HECTD4 is on the minus strand). VCF-style: chr12-112229761-G-A. GRCh37 (hg19) VCF-style: chr12-112667565-G-A.
Other names: c.6486C>T, p.Ala2162= (NM_001109662.4).
Identifiers: ClinVar variation 3771143 (VCV003771143.13).

ClinVar aggregate classification (germline): Likely benign (1 of 4 stars; one submission).

gnomAD v4.1: 315 of 1,614,014 alleles (0.02%); highest among the groups gnomAD compares: Admixed American, 0.025%; no homozygotes.

Submission:

CeGaT Center for Human Genetics Tuebingen
Classification: Likely benign. Last evaluated: 2025-01-01. Review status: criteria provided, single submitter. Criteria: CeGaT Center For Human Genetics Tuebingen Variant Classification Criteria Version 2. Collection method: clinical testing. Allele origin: germline. Affected: yes. Observed: 1 variant allele.
Comment: HECTD4: BP4, BP7